The following is an entry in ClinVar:

NM_022124.6(CDH23):c.5348T>A (p.Ile1783Asn)

Gene: CDH23 (cadherin related 23; plus strand). Cytogenetic location: 10q22.1.
Variant type: single nucleotide variant.
Coding change: c.5348T>A on transcript NM_022124.6 (MANE Select); coding-DNA position 5348, T replaced by A.
Protein change: p.Ile1783Asn; replaces isoleucine 1783 with asparagine.
Molecular consequence: missense variant.
Genome position (GRCh38, 1-based): chr10:71,779,427, T>A. VCF-style: chr10-71779427-T-A. GRCh37 (hg19) VCF-style: chr10-73539184-T-A.
Other names: short protein forms I1783N.
Identifiers: ClinVar variation 859147 (VCV000859147.11), dbSNP rs759793488, ClinGen allele CA377143166.

ClinVar aggregate classification (germline): Uncertain significance (1 of 4 stars; one submission).

Submission:

Labcorp Genetics (formerly Invitae), Labcorp
Classification: Uncertain significance. Last evaluated: 2022-03-10. Review status: criteria provided, single submitter. Criteria: Invitae Variant Classification Sherloc (09022015). Collection method: clinical testing. Allele origin: germline.
Comment: This sequence change replaces isoleucine, which is neutral and non-polar, with asparagine, which is neutral and polar, at codon 1783 of the CDH23 protein (p.Ile1783Asn). This variant is not present in population databases (gnomAD no frequency). This variant has not been reported in the literature in individuals affected with CDH23-related conditions. ClinVar contains an entry for this variant (Variation ID: 859147). Algorithms developed to predict the effect of missense changes on protein structure and function are either unavailable or do not agree on the potential impact of this missense change (SIFT: "Deleterious"; PolyPhen-2: "Not Available"; Align-GVGD: "Class C45"). In summary, the available evidence is currently insufficient to determine the role of this variant in disease. Therefore, it has been classified as a Variant of Uncertain Significance.